The following is an entry in ClinVar:

ClinVar aggregate classification (germline): Conflicting classifications of pathogenicity. Review status: criteria provided, conflicting classifications (1 of 4 stars). 2 submissions from 2 submitters: Uncertain significance (1); Likely benign (1). Last evaluated 2025-04-21.

Allele frequency attached by ClinVar (database versions not stated): ExAC 0.00001; gnomAD exomes 0.00002; TOPMed 0.00002; gnomAD 0.00003.
gnomAD v4.1: 11 of 1,614,086 alleles (0.00068%); highest among the groups gnomAD compares: Admixed American, 0.015%; no homozygotes.

Submissions (2):

Labcorp Genetics (formerly Invitae), Labcorp
Classification: Uncertain significance. Last evaluated: 2025-04-21. Review status: criteria provided, single submitter. Criteria: Invitae Variant Classification Sherloc (09022015). Collection method: clinical testing. Allele origin: germline.
Comment: This sequence change replaces proline, which is neutral and non-polar, with leucine, which is neutral and non-polar, at codon 933 of the RAB3GAP1 protein (p.Pro933Leu). This variant is present in population databases (rs770933323, gnomAD 0.01%). This variant has not been reported in the literature in individuals affected with RAB3GAP1-related conditions. ClinVar contains an entry for this variant (Variation ID: 386995). Invitae Evidence Modeling of protein sequence and biophysical properties (such as structural, functional, and spatial information, amino acid conservation, physicochemical variation, residue mobility, and thermodynamic stability) indicates that this missense variant is expected to disrupt RAB3GAP1 protein function with a positive predictive value of 80%. In summary, the available evidence is currently insufficient to determine the role of this variant in disease. Therefore, it has been classified as a Variant of Uncertain Significance.

GeneDx
Classification: Likely benign. Last evaluated: 2016-06-20. Review status: criteria provided, single submitter. Criteria: GeneDx Variant Classification (06012015). Collection method: clinical testing. Allele origin: germline. Affected: yes.
Comment: This variant is considered likely benign or benign based on one or more of the following criteria: it is a conservative change, it occurs at a poorly conserved position in the protein, it is predicted to be benign by multiple in silico algorithms, and/or has population frequency not consistent with disease.

NM_012233.3(RAB3GAP1):c.2798C>T (p.Pro933Leu)

Gene: RAB3GAP1 (RAB3 GTPase activating protein catalytic subunit 1; plus strand). Cytogenetic location: 2q21.3.
Variant type: single nucleotide variant.
Coding change: c.2798C>T on transcript NM_012233.3 (MANE Select); coding-DNA position 2798, C replaced by T.
Protein change: p.Pro933Leu; replaces proline 933 with leucine.
Molecular consequence: missense variant.
Genome position (GRCh38, 1-based): chr2:135,168,633, C>T. VCF-style: chr2-135168633-C-T. GRCh37 (hg19) VCF-style: chr2-135926203-C-T.
Other names: c.2819C>T, p.Pro940Leu (NM_001172435.2); short protein forms P933L, P940L.
Identifiers: ClinVar variation 386995 (VCV000386995.2), dbSNP rs770933323, ClinGen allele CA1885197.